The following is an entry in ClinVar:

ClinVar aggregate classification (germline): Uncertain significance (1 of 4 stars; one submission).

gnomAD v4.1: 3 of 1,611,970 alleles (0.00019%); highest among the groups gnomAD compares: Non-Finnish European, 0.00017%; no homozygotes.

Submission:

Women's Health and Genetics/Laboratory Corporation of America, LabCorp
Classification: Uncertain significance. Last evaluated: 2025-02-21. Review status: criteria provided, single submitter. Criteria: LabCorp Variant Classification Summary - May 2015. Collection method: clinical testing. Allele origin: germline.
Comment: Variant summary: KMT2D c.2968T>C (p.Cys990Arg) results in a non-conservative amino acid change in the encoded protein sequence. Three of five in-silico tools predict a damaging effect of the variant on protein function. The variant was absent in 247838 control chromosomes. The available data on variant occurrences in the general population are insufficient to allow any conclusion about variant significance. To our knowledge, no occurrence of c.2968T>C in individuals affected with Kabuki Syndrome 1 and no experimental evidence demonstrating its impact on protein function have been reported. No submitters have cited clinical-significance assessments for this variant to ClinVar. Based on the evidence outlined above, the variant was classified as uncertain significance.

NM_003482.4(KMT2D):c.2968T>C (p.Cys990Arg)

Gene: KMT2D (lysine methyltransferase 2D; minus strand). Cytogenetic location: 12q13.12.
Variant type: single nucleotide variant.
Coding change: c.2968T>C on transcript NM_003482.4 (MANE Select); coding-DNA position 2968, T replaced by C.
Protein change: p.Cys990Arg; replaces cysteine 990 with arginine.
Molecular consequence: missense variant.
Genome position (GRCh38, 1-based): chr12:49,050,620, A>G on the plus strand (T>C on the coding strand, the complement: KMT2D is on the minus strand). VCF-style: chr12-49050620-A-G. GRCh37 (hg19) VCF-style: chr12-49444403-A-G.
Other names: short protein forms C990R.
Identifiers: ClinVar variation 3768886 (VCV003768886.1).